The following is an entry in ClinVar:

ClinVar aggregate classification (germline): Uncertain significance (1 of 4 stars; one submission).

Conditions:
KBG syndrome (KBGS). Also called: ANKRD11-Related KBG Syndrome. Identifiers: Orphanet 2332, MedGen C0220687, MONDO:0007846, OMIM 148050.

Submission:

3billion
Classification: Uncertain significance for KBG syndrome. Last evaluated: 2025-08-22. Review status: criteria provided, single submitter. Criteria: ACMG Guidelines, 2015. Collection method: clinical testing. Allele origin: germline. Affected: yes.
Comment: The variant is not observed in the gnomAD v4.1.0 dataset. Predicted Consequence/Location: Missense variant. The majority of the known disease-causing variants of this gene are variants expected to result in premature termination of the protein. In silico tool predictions suggest damaging effect of the variant on gene or gene product [3Cnet: 0.91 (> 0.75, sensitivity 0.96 and precision 0.92)]. Therefore, this variant is classified as VUS according to the recommendation of ACMG/AMP guideline.

NM_013275.6(ANKRD11):c.7819A>G (p.Met2607Val)

Gene: ANKRD11 (ankyrin repeat domain 11; minus strand). Cytogenetic location: 16q24.3.
Variant type: single nucleotide variant.
Coding change: c.7819A>G on transcript NM_013275.6 (MANE Select); coding-DNA position 7819, A replaced by G.
Protein change: p.Met2607Val; replaces methionine 2607 with valine.
Molecular consequence: missense variant.
Genome position (GRCh38, 1-based): chr16:89,268,651, T>C on the plus strand (A>G on the coding strand, the complement: ANKRD11 is on the minus strand). VCF-style: chr16-89268651-T-C. GRCh37 (hg19) VCF-style: chr16-89335059-T-C.
Other names: c.7819A>G, p.Met2607Val (NM_001256182.2, NM_001256183.2); short protein forms M2607V.
Identifiers: ClinVar variation 4854693 (VCV004854693.1).